The following is an entry in ClinVar:

ClinVar aggregate classification (germline): Uncertain significance. Review status: criteria provided, multiple submitters, no conflicts (2 of 4 stars). 3 submissions from 3 submitters: Uncertain significance (3). Last evaluated 2025-03-28.

Conditions:
Autosomal dominant limb-girdle muscular dystrophy type 1F (LGMDD2). Also called: Limb-girdle muscular dystrophy, type 1F; MUSCULAR DYSTROPHY, LIMB-GIRDLE, AUTOSOMAL DOMINANT 2. Identifiers: Orphanet 55595, MedGen C1842062, MONDO:0012034, OMIM 608423.
Inborn genetic diseases. Identifiers: MedGen C0950123, MeSH D030342.

Allele frequency attached by ClinVar (database versions not stated): gnomAD exomes below 0.00001; ExAC 0.00001; gnomAD 0.00001 and 0.00002; TOPMed 0.00005; 1000 Genomes Project 0.00020; 1000 Genomes Project 30x 0.00031.
gnomAD v4.1: 5 of 1,614,112 alleles (0.00031%); highest among the groups gnomAD compares: Admixed American, 0.0083%; no homozygotes.

Submissions (3):

Labcorp Genetics (formerly Invitae), Labcorp
Classification: Uncertain significance for Autosomal dominant limb-girdle muscular dystrophy type 1F. Last evaluated: 2025-03-28. Review status: criteria provided, single submitter. Criteria: Invitae Variant Classification Sherloc (09022015). Collection method: clinical testing. Allele origin: germline.
Comment: This sequence change replaces isoleucine, which is neutral and non-polar, with threonine, which is neutral and polar, at codon 625 of the TNPO3 protein (p.Ile625Thr). This variant is not present in population databases (gnomAD no frequency). This variant has not been reported in the literature in individuals affected with TNPO3-related conditions. ClinVar contains an entry for this variant (Variation ID: 1044746). Invitae Evidence Modeling of protein sequence and biophysical properties (such as structural, functional, and spatial information, amino acid conservation, physicochemical variation, residue mobility, and thermodynamic stability) indicates that this missense variant is not expected to disrupt TNPO3 protein function with a negative predictive value of 80%. In summary, the available evidence is currently insufficient to determine the role of this variant in disease. Therefore, it has been classified as a Variant of Uncertain Significance.

Ambry Genetics
Classification: Uncertain significance for Inborn genetic diseases. Last evaluated: 2024-03-01. Review status: criteria provided, single submitter. Criteria: Ambry Variant Classification Scheme 2023. Collection method: clinical testing. Allele origin: germline.

Revvity Omics, Revvity
Classification: Uncertain significance for Autosomal dominant limb-girdle muscular dystrophy type 1F. Last evaluated: 2022-04-02. Review status: criteria provided, single submitter. Criteria: ACMG Guidelines, 2015. Collection method: clinical testing. Allele origin: germline.

NM_012470.4(TNPO3):c.1874T>C (p.Ile625Thr)

Gene: TNPO3 (transportin 3; minus strand). Cytogenetic location: 7q32.1.
Variant type: single nucleotide variant.
Coding change: c.1874T>C on transcript NM_012470.4 (MANE Select); coding-DNA position 1874, T replaced by C.
Protein change: p.Ile625Thr; replaces isoleucine 625 with threonine.
Molecular consequence: missense variant. On other transcripts: non-coding transcript variant (14).
Genome position (GRCh38, 1-based): chr7:128,980,017, A>G on the plus strand (T>C on the coding strand, the complement: TNPO3 is on the minus strand). VCF-style: chr7-128980017-A-G. GRCh37 (hg19) VCF-style: chr7-128620071-A-G.
Other names: c.1682T>C, p.Ile561Thr (NM_001191028.3, NM_001382223.1); c.1976T>C, p.Ile659Thr (NM_001382216.1); c.1955T>C, p.Ile652Thr (NM_001382217.1); c.1874T>C, p.Ile625Thr (NM_001382218.1, NM_001382220.1); c.1766T>C, p.Ile589Thr (NM_001382219.1); c.1730T>C, p.Ile577Thr (NM_001382221.1); c.1727T>C, p.Ile576Thr (NM_001382222.1); c.1874T>C (NM_012470.3); short protein forms I576T, I589T, I659T, I561T, I577T, I625T, I652T.
Identifiers: ClinVar variation 1044746 (VCV001044746.12), dbSNP rs200950202, ClinGen allele CA4478029.